The following is an entry in ClinVar:

ClinVar aggregate classification (germline): Pathogenic (1 of 4 stars; one submission).

Conditions:
Baller-Gerold syndrome (BGS). Also called: CRANIOSYNOSTOSIS WITH RADIAL DEFECTS. Identifiers: Orphanet 1225, MedGen C0265308, MONDO:0009039, OMIM 218600.

Submission:

Labcorp Genetics (formerly Invitae), Labcorp
Classification: Pathogenic for Baller-Gerold syndrome. Last evaluated: 2024-05-06. Review status: criteria provided, single submitter. Criteria: Invitae Variant Classification Sherloc (09022015). Collection method: clinical testing. Allele origin: germline.
Comment: This sequence change creates a premature translational stop signal (p.Pro285Hisfs*8) in the RECQL4 gene. It is expected to result in an absent or disrupted protein product. Loss-of-function variants in RECQL4 are known to be pathogenic (PMID: 12734318, 12952869). This variant is present in population databases (no rsID available, gnomAD 0.0009%). This variant has not been reported in the literature in individuals affected with RECQL4-related conditions. ClinVar contains an entry for this variant (Variation ID: 846137). For these reasons, this variant has been classified as Pathogenic.

Literature cited by the submitters: PubMed 12734318; PubMed 12952869.

NM_004260.4(RECQL4):c.854del (p.Pro285fs)

Gene: RECQL4 (RecQ like helicase 4; minus strand). Cytogenetic location: 8q24.3.
Variant type: Deletion.
Coding change: c.854del on transcript NM_004260.4 (MANE Select); coding-DNA position 854, one base deleted (C; older notation c.854delC).
Protein change: p.Pro285fs; shifts the reading frame from proline 285.
Molecular consequence: frameshift variant.
Genome position (GRCh38, 1-based): chr8:144,516,265, G deleted on the plus strand (C on the coding strand, the reverse complement: RECQL4 is on the minus strand); the first of 5 consecutive G bases (chr8:144,516,265-144,516,269); deleting any one gives the same sequence. VCF-style (leftmost placement, unchanged base first): chr8-144516264-TG-T. GRCh37 (hg19) VCF-style: chr8-145741648-TG-T.
Other names: short protein forms P285fs.
Identifiers: ClinVar variation 846137 (VCV000846137.6), dbSNP rs1292831710, ClinGen allele CA586165524.
Genomic context (GRCh38, chr8:144,516,264, plus strand): 5'-TGCCTGTACAGGTTCCCCTGGAGGGTCTTCCTCAACTGCTACAGCCCCAGCCCCCTCCGA[TG>T]GGGGTCCAGCTTGGCTGCTCTCCTGCTGGACCTGTGCGGGGCTCTCCCAGGGCTCCTCGT-3'